The following is an entry in ClinVar:

NM_000051.4(ATM):c.6357A>G (p.Val2119=)

Genes: ATM (ATM serine/threonine kinase; plus strand), C11orf65 (chromosome 11 open reading frame 65; minus strand). Cytogenetic location: 11q22.3.
Variant type: single nucleotide variant.
Coding change: c.6357A>G on transcript NM_000051.4 (MANE Select); coding-DNA position 6357, A replaced by G.
Protein change: p.Val2119=; no amino-acid change (valine 2119 retained).
Molecular consequence: synonymous variant. On other transcripts: intron variant (2).
Genome position (GRCh38, 1-based): chr11:108,319,963, A>G. VCF-style: chr11-108319963-A-G. GRCh37 (hg19) VCF-style: chr11-108190690-A-G.
Other names: c.6357A>G, p.Val2119= (NM_001351834.2); c.641-10892T>C (NM_001330368.2); c.*39-10892T>C (NM_001351110.2).
Identifiers: ClinVar variation 511759 (VCV000511759.14), dbSNP rs1060504295, ClinGen allele CA476676058.

ClinVar aggregate classification (germline): Benign/Likely benign. Review status: criteria provided, multiple submitters, no conflicts (2 of 4 stars). 4 submissions from 4 submitters: Benign (1); Likely benign (3). Last evaluated 2025-06-27.

Conditions:
Hereditary cancer-predisposing syndrome. Also called: Hereditary Cancer Syndrome; Neoplastic Syndromes, Hereditary; Tumor predisposition; Hereditary neoplastic syndrome. Identifiers: Orphanet 140162, MedGen C0027672, MeSH D009386, MONDO:0015356.
Familial cancer of breast. Also called: BREAST CANCER, FAMILIAL; Hereditary breast cancer; hereditary breast carcinoma. Identifiers: Orphanet 227535, MedGen C0346153, MONDO:0016419, OMIM 114480. Disease mechanism: loss of function.
Ataxia-telangiectasia syndrome (AT). Also called: Cerebello-oculocutaneous telangiectasia; Immunodeficiency with ataxia telangiectasia; Ataxia-telangiectasia, complementation group E; Ataxia-telangiectasia, complementation group D; AT, COMPLEMENTATION GROUP C; ATAXIA-TELANGIECTASIA, COMPLEMENTATION GROUP A. Identifiers: Orphanet 100, MedGen C0004135, MONDO:0008840, OMIM 208900.

Allele frequency attached by ClinVar (database versions not stated): gnomAD exomes below 0.00001; TOPMed 0.00001.
gnomAD v4.1: 6 of 1,609,420 alleles (0.00037%); highest among the groups gnomAD compares: Admixed American, 0.0017%; no homozygotes.

Submissions (4):

Labcorp Genetics (formerly Invitae), Labcorp
Classification: Likely benign for Ataxia-telangiectasia syndrome. Last evaluated: 2025-06-27. Review status: criteria provided, single submitter. Criteria: Invitae Variant Classification Sherloc (09022015). Collection method: clinical testing. Allele origin: germline.

Myriad Genetics, Inc.
Classification: Benign for Familial cancer of breast. Last evaluated: 2024-06-06. Review status: criteria provided, single submitter. Criteria: Myriad Autosomal Dominant, Autosomal Recessive and X-Linked Classification Criteria (2023). Collection method: clinical testing. Allele origin: unknown.
Comment: This variant is considered benign. This variant is a silent/synonymous amino acid change and it is not expected to impact splicing.

Ambry Genetics
Classification: Likely benign for Hereditary cancer-predisposing syndrome. Last evaluated: 2021-01-05. Review status: criteria provided, single submitter. Criteria: Ambry Variant Classification Scheme 2023. Collection method: clinical testing. Allele origin: germline.

GeneDx
Classification: Likely benign. Last evaluated: 2019-06-18. Review status: criteria provided, single submitter. Criteria: GeneDx Variant Classification Process June 2021. Collection method: clinical testing. Allele origin: germline. Affected: yes.